The following is an entry in ClinVar:

NM_001144967.3(NEDD4L):c.881C>G (p.Pro294Arg)

Gene: NEDD4L (NEDD4 like E3 ubiquitin protein ligase; plus strand). Cytogenetic location: 18q21.31.
Variant type: single nucleotide variant.
Coding change: c.881C>G on transcript NM_001144967.3 (MANE Select); coding-DNA position 881, C replaced by G.
Protein change: p.Pro294Arg; replaces proline 294 with arginine.
Molecular consequence: missense variant.
Genome position (GRCh38, 1-based): chr18:58,330,805, C>G. VCF-style: chr18-58330805-C-G. GRCh37 (hg19) VCF-style: chr18-55998037-C-G.
Other names: c.518C>G, p.Pro173Arg (NM_001144964.1, NM_001144965.2, NM_001144966.3 and 2 more transcripts); c.857C>G, p.Pro286Arg (NM_001144968.2, NM_001144969.2); c.881C>G, p.Pro294Arg (NM_001243960.2, NM_015277.6); short protein forms P173R, P286R, P294R.
Identifiers: ClinVar variation 2138166 (VCV002138166.4), dbSNP rs988690506, ClinGen allele CA300914988.
Genomic context (GRCh38, chr18:58,330,805, plus strand): 5'-AGACCATTTCAGAGGAAGTGAATATCGCTGGAGACTCTCTCGGTCTGGCTCTGCCCCCAC[C>G]ACCGGCCTCCCCAGGATCTCGGACCAGCCCTCAGGAGCTGTCAGAGGAACTAAGCAGAAG-3'
Protein context (NP_001138439.1, residues 284-304): GDSLGLALPP[Pro294Arg]PASPGSRTSP

ClinVar aggregate classification (germline): Uncertain significance (1 of 4 stars; one submission).

gnomAD v4.1: 16 of 1,613,796 alleles (0.00099%); highest among the groups gnomAD compares: East Asian, 0.0022%; no homozygotes.

Submission:

Labcorp Genetics (formerly Invitae), Labcorp
Classification: Uncertain significance. Last evaluated: 2023-10-22. Review status: criteria provided, single submitter. Criteria: Invitae Variant Classification Sherloc (09022015). Collection method: clinical testing. Allele origin: germline.
Comment: This sequence change replaces proline, which is neutral and non-polar, with arginine, which is basic and polar, at codon 294 of the NEDD4L protein (p.Pro294Arg). This variant is present in population databases (no rsID available, gnomAD 0.0009%). This missense change has been observed in individual(s) with clinical features of NEDD4L-related conditions (PMID: 23934111). ClinVar contains an entry for this variant (Variation ID: 2138166). Advanced modeling of protein sequence and biophysical properties (such as structural, functional, and spatial information, amino acid conservation, physicochemical variation, residue mobility, and thermodynamic stability) performed at Invitae indicates that this missense variant is not expected to disrupt NEDD4L protein function. In summary, the available evidence is currently insufficient to determine the role of this variant in disease. Therefore, it has been classified as a Variant of Uncertain Significance.

Literature cited by the submitters: PubMed 23934111.